The following is an entry in ClinVar:

NM_014423.4(AFF4):c.3305A>G (p.Asn1102Ser)

Gene: AFF4 (ALF transcription elongation factor 4; minus strand). Cytogenetic location: 5q31.1.
Variant type: single nucleotide variant.
Coding change: c.3305A>G on transcript NM_014423.4 (MANE Select); coding-DNA position 3305, A replaced by G.
Protein change: p.Asn1102Ser; replaces asparagine 1102 with serine.
Molecular consequence: missense variant.
Genome position (GRCh38, 1-based): chr5:132,883,399, T>C on the plus strand (A>G on the coding strand, the complement: AFF4 is on the minus strand). VCF-style: chr5-132883399-T-C. GRCh37 (hg19) VCF-style: chr5-132219091-T-C.
Other names: c.3305A>G (NM_014423.3); short protein forms N1102S.
Identifiers: ClinVar variation 4691364 (VCV004691364.2).

ClinVar aggregate classification (germline): Uncertain significance. Review status: criteria provided, multiple submitters, no conflicts (2 of 4 stars). 2 submissions from 2 submitters: Uncertain significance (2). Last evaluated 2025-09-08.

Conditions:
Cognitive impairment - coarse facies - heart defects - obesity - pulmonary involvement - short stature - skeletal dysplasia syndrome. Also called: AFF4-Related CHOPS Syndrome; COGNITIVE IMPAIRMENT, COARSE FACIES, HEART DEFECTS, OBESITY, PULMONARY INVOLVEMENT, SHORT STATURE, AND SKELETAL DYSPLASIA; Chops syndrome. Identifiers: Orphanet 444077, MedGen C4085597, MONDO:0014609, OMIM 616368.
AFF4-related disorder. Also called: AFF4-related condition.

gnomAD v4.1: 17 of 1,613,970 alleles (0.0011%); highest among the groups gnomAD compares: Non-Finnish European, 0.0014%; no homozygotes.

Submissions (2):

PreventionGenetics, part of Exact Sciences
Classification: Uncertain significance for AFF4-related condition. Last evaluated: 2025-09-08. Review status: criteria provided, single submitter. Criteria: ACMG Guidelines, 2015. Collection method: clinical testing. Allele origin: germline.
Comment: The AFF4 c.3305A>G variant is predicted to result in the amino acid substitution p.Asn1102Ser. To our knowledge, this variant has not been reported in the literature. This variant is reported in 0.00088% of alleles in individuals of European (Non-Finnish) descent in gnomAD. At this time, the clinical significance of this variant is uncertain due to the absence of conclusive functional and genetic evidence.

Labcorp Genetics (formerly Invitae), Labcorp
Classification: Uncertain significance for Cognitive impairment - coarse facies - heart defects - obesity - pulmonary involvement - short stature - skeletal dysplasia syndrome. Last evaluated: 2025-08-14. Review status: criteria provided, single submitter. Criteria: Invitae Variant Classification Sherloc (09022015). Collection method: clinical testing. Allele origin: germline.
Comment: This sequence change replaces asparagine, which is neutral and polar, with serine, which is neutral and polar, at codon 1102 of the AFF4 protein (p.Asn1102Ser). This variant is present in population databases (no rsID available, gnomAD 0.0009%). This variant has not been reported in the literature in individuals affected with AFF4-related conditions. Invitae Evidence Modeling of protein sequence and biophysical properties (such as structural, functional, and spatial information, amino acid conservation, physicochemical variation, residue mobility, and thermodynamic stability) indicates that this missense variant is not expected to disrupt AFF4 protein function with a negative predictive value of 80%. In summary, the available evidence is currently insufficient to determine the role of this variant in disease. Therefore, it has been classified as a Variant of Uncertain Significance.